The following is an entry in ClinVar:

ClinVar aggregate classification (germline): Pathogenic (1 of 4 stars; one submission).

Conditions:
Familial thoracic aortic aneurysm and aortic dissection (TAAD). Also called: Thoracic aortic aneurysms and dissections. Identifiers: Orphanet 91387, MedGen C4707243, MONDO:0019625.

Submission:

Ambry Genetics
Classification: Pathogenic for Familial thoracic aortic aneurysm and aortic dissection. Last evaluated: 2025-12-17. Review status: criteria provided, single submitter. Criteria: Ambry Variant Classification Scheme 2023. Collection method: clinical testing. Allele origin: germline.
Comment: The p.E1450* pathogenic mutation (also known as c.4348G>T), located in coding exon 25 of the NOTCH1 gene, results from a G to T substitution at nucleotide position 4348. This changes the amino acid from a glutamic acid to a stop codon within coding exon 25. This variant was reported in individual(s) with features consistent with congenital heart disease (Ambry internal data). This variant is considered to be rare based on population cohorts in the Genome Aggregation Database (gnomAD). This alteration is expected to result in loss of function by premature protein truncation or nonsense-mediated mRNA decay. As such, this alteration is interpreted as a disease-causing mutation.

NM_017617.5(NOTCH1):c.4348G>T (p.Glu1450Ter)

Gene: NOTCH1 (notch receptor 1; minus strand). Cytogenetic location: 9q34.3.
Variant type: single nucleotide variant.
Coding change: c.4348G>T on transcript NM_017617.5 (MANE Select); coding-DNA position 4348, G replaced by T.
Protein change: p.Glu1450Ter; replaces glutamic acid 1450 with a stop codon.
Molecular consequence: nonsense.
Genome position (GRCh38, 1-based): chr9:136,505,548, C>A on the plus strand (G>T on the coding strand, the complement: NOTCH1 is on the minus strand). VCF-style: chr9-136505548-C-A. GRCh37 (hg19) VCF-style: chr9-139400000-C-A.
Other names: short protein forms E1450*.
Identifiers: ClinVar variation 4843307 (VCV004843307.1).
Genomic context (GRCh38, chr9:136,505,548, plus strand): 5'-GGTTGTTGCACTGCAGGCTGCAGACCTTGTTGCCCGCGTCCTCCTGGCACTCGGGCAGCT[C>A]GCACGCCTCCTCGATCAGCGGCGGGGGGATGTCGCGCCCGGCCCCACCCCCGAAGCTGTA-3'